The following is an entry in ClinVar:

NM_000059.4(BRCA2):c.3333T>G (p.Ile1111Met)

Gene: BRCA2 (BRCA2 DNA repair associated; plus strand). Cytogenetic location: 13q13.1.
Variant type: single nucleotide variant.
Coding change: c.3333T>G on transcript NM_000059.4 (MANE Select); coding-DNA position 3333, T replaced by G.
Protein change: p.Ile1111Met; replaces isoleucine 1111 with methionine.
Molecular consequence: missense variant.
Genome position (GRCh38, 1-based): chr13:32,337,688, T>G. VCF-style: chr13-32337688-T-G. GRCh37 (hg19) VCF-style: chr13-32911825-T-G.
Other names: c.3333T>G, p.Ile1111Met (NM_001406719.1, NM_001406720.1); short protein forms I1111M.
Identifiers: ClinVar variation 1730333 (VCV001730333.5), dbSNP rs878853566, ClinGen allele CA387776281.

ClinVar aggregate classification (germline): Conflicting classifications of pathogenicity. Review status: criteria provided, conflicting classifications (1 of 4 stars). 2 submissions from 2 submitters: Uncertain significance (1); Likely benign (1). Last evaluated 2025-10-03.

Conditions:
Hereditary cancer-predisposing syndrome. Also called: Neoplastic Syndromes, Hereditary; Tumor predisposition; Hereditary Cancer Syndrome; Hereditary neoplastic syndrome. Identifiers: Orphanet 140162, MedGen C0027672, MeSH D009386, MONDO:0015356.

Allele frequency attached by ClinVar (database versions not stated): gnomAD exomes below 0.00001.
gnomAD v4.1: 1 of 1,601,134 alleles (0.000062%); highest among the groups gnomAD compares: Non-Finnish European, 0.000085%; no homozygotes.

Submissions (2):

Ambry Genetics
Classification: Uncertain significance for Hereditary cancer-predisposing syndrome. Last evaluated: 2025-10-03. Review status: criteria provided, single submitter. Criteria: Ambry Variant Classification Scheme 2023. Collection method: clinical testing. Allele origin: germline.
Comment: The p.I1111M variant (also known as c.3333T>G), located in coding exon 10 of the BRCA2 gene, results from a T to G substitution at nucleotide position 3333. The isoleucine at codon 1111 is replaced by methionine, an amino acid with highly similar properties. This alteration was detected in a cohort of 165 French patients who underwent BRCA1/2 testing (Coulet F et al. Genet Test Mol Biomarkers, 2010 Oct;14:677-90). This amino acid position is highly conserved in available vertebrate species. In addition, the in silico prediction for this alteration is inconclusive. Since supporting evidence is limited at this time, the clinical significance of this alteration remains unclear.

University of Washington Department of Laboratory Medicine, University of Washington
Classification: Likely benign for Hereditary cancer-predisposing syndrome. Last evaluated: 2023-03-23. Review status: criteria provided, single submitter. Criteria: Dines et al. (Genet Med. 2020). Collection method: curation. Allele origin: germline.
Comment: Missense variant in a coldspot region where missense variants are very unlikely to be pathogenic (PMID:31911673).

BRCA2 exon 11 coldspot. Reclassification based on statistical prior probability.

Literature cited by the submitters: PubMed 20858050 (cited by Ambry Genetics).